The following is an entry in ClinVar:

NM_014516.4(CNOT3):c.559C>G (p.Leu187Val)

Gene: CNOT3 (CCR4-NOT transcription complex subunit 3; plus strand). Cytogenetic location: 19q13.42.
Variant type: single nucleotide variant.
Coding change: c.559C>G on transcript NM_014516.4 (MANE Select); coding-DNA position 559, C replaced by G.
Protein change: p.Leu187Val; replaces leucine 187 with valine.
Molecular consequence: missense variant.
Genome position (GRCh38, 1-based): chr19:54,145,673, C>G. VCF-style: chr19-54145673-C-G. GRCh37 (hg19) VCF-style: chr19-54649409-C-G.
Other names: short protein forms L187V.
Identifiers: ClinVar variation 1306777 (VCV001306777.2), dbSNP rs2146595208, ClinGen allele CA407761037.

ClinVar aggregate classification (germline): Uncertain significance (1 of 4 stars; one submission).

Submission:

GeneDx
Classification: Uncertain significance. Last evaluated: 2019-06-25. Review status: criteria provided, single submitter. Criteria: GeneDx Variant Classification Process June 2021. Collection method: clinical testing. Allele origin: germline. Affected: yes.
Comment: Not observed in large population cohorts (Lek et al., 2016); In silico analysis, which includes protein predictors and evolutionary conservation, supports that this variant does not alter protein structure/function; In-silico analysis, which includes splice predictors and evolutionary conservation, is inconclusive as to whether the variant alters gene splicing. In the absence of RNA/functional studies, the actual effect of this sequence change is unknown; Has not been previously published as pathogenic or benign to our knowledge; Variants in candidate genes are classified as variants of uncertain significance in accordance with ACMG guidelines (Richards et al., 2015)